The following is an entry in ClinVar:

NM_005228.5(EGFR):c.3130A>G (p.Asn1044Asp)

Gene: EGFR (epidermal growth factor receptor; plus strand). Cytogenetic location: 7p11.2.
Variant type: single nucleotide variant.
Coding change: c.3130A>G on transcript NM_005228.5 (MANE Select); coding-DNA position 3130, A replaced by G.
Protein change: p.Asn1044Asp; replaces asparagine 1044 with aspartic acid.
Molecular consequence: missense variant.
Genome position (GRCh38, 1-based): chr7:55,201,750, A>G. VCF-style: chr7-55201750-A-G. GRCh37 (hg19) VCF-style: chr7-55269443-A-G.
Other names: c.2995A>G, p.Asn999Asp (NM_001346897.2, NM_001346899.2); c.3130A>G, p.Asn1044Asp (NM_001346898.2); c.2971A>G, p.Asn991Asp (NM_001346900.2); c.2329A>G, p.Asn777Asp (NM_001346941.2); short protein forms N991D, N777D, N1044D, N999D.
Identifiers: ClinVar variation 4842919 (VCV004842919.1).
Genomic context (GRCh38, chr7:55,201,750, plus strand): 5'-TGTGGTACAAGCATTCCATGGGCAACTTCTCTGTTTCTTTTTCAGAGTGCAACCAGCAAC[A>G]ATTCCACCGTGGCTTGCATTGATAGAAATGGGGTATGTATGAACACCTTATAAGCCAGAA-3'
Protein context (NP_005219.2, residues 1034-1054): LLSSLSATSN[Asn1044Asp]STVACIDRNG

ClinVar aggregate classification (germline): Uncertain significance (1 of 4 stars; one submission).

Conditions:
Hereditary cancer-predisposing syndrome. Also called: Neoplastic Syndromes, Hereditary; Tumor predisposition; Hereditary Cancer Syndrome; Hereditary neoplastic syndrome. Identifiers: Orphanet 140162, MedGen C0027672, MeSH D009386, MONDO:0015356.

Submission:

Ambry Genetics
Classification: Uncertain significance for Hereditary cancer-predisposing syndrome. Last evaluated: 2025-12-28. Review status: criteria provided, single submitter. Criteria: Ambry Variant Classification Scheme 2023. Collection method: clinical testing. Allele origin: germline.
Comment: The p.N1044D variant (also known as c.3130A>G), located in coding exon 26 of the EGFR gene, results from an A to G substitution at nucleotide position 3130. The asparagine at codon 1044 is replaced by aspartic acid, an amino acid with highly similar properties. This amino acid position is conserved. In addition, this alteration is predicted to be tolerated by in silico analysis. Based on the available evidence, the clinical significance of this variant remains unclear.